The following is an entry in ClinVar:

ClinVar aggregate classification (germline): Uncertain significance. Review status: criteria provided, multiple submitters, no conflicts (2 of 4 stars). 5 submissions from 5 submitters: Uncertain significance (4). 1 of the submissions does not count toward it. Last evaluated 2025-10-15.

Conditions:
Alstrom syndrome (ALMS). Identifiers: Orphanet 64, MedGen C0268425, MONDO:0008763, OMIM 203800.
Cardiovascular phenotype. Identifiers: MedGen CN230736.
ALMS1-related disorder. Also called: ALMS1-related condition.

Submissions (5):

PreventionGenetics, part of Exact Sciences
Classification: Uncertain significance for ALMS1-related condition. Last evaluated: 2025-10-15. Review status: criteria provided, single submitter. Criteria: ACMG Guidelines, 2015. Collection method: clinical testing. Allele origin: germline.
Comment: The ALMS1 c.12402_12404delAGA variant is predicted to result in an in-frame deletion (p.Glu4135del). To our knowledge, this variant has not been reported in the literature. This variant is reported in 0.0057% of alleles in individuals of Latino descent in gnomAD. At this time, the clinical significance of this variant is uncertain due to the absence of conclusive functional and genetic evidence.

Ambry Genetics
Classification: Uncertain significance for Cardiovascular phenotype. Last evaluated: 2024-04-19. Review status: criteria provided, single submitter. Criteria: Ambry Variant Classification Scheme 2023. Collection method: clinical testing. Allele origin: germline.
Comment: The c.12408_12410delAGA variant (also known as p.E4137del) is located in coding exon 22 of the ALMS1 gene. This variant results from an in-frame AGA deletion at nucleotide positions 12408 to 12410. This results in the in-frame deletion of a glutamic acid at codon 4137. This amino acid position is well conserved in available vertebrate species. In addition, this alteration is predicted to be deleterious by in silico analysis (Choi Y et al. PLoS ONE. 2012; 7(10):e46688). Since supporting evidence is limited at this time, the clinical significance of this alteration remains unclear.

Blueprint Genetics
Classification: Uncertain significance. Last evaluated: 2024-04-10. Review status: criteria provided, single submitter. Criteria: ACMG Guidelines, 2015. Collection method: clinical testing. Allele origin: germline.

Labcorp Genetics (formerly Invitae), Labcorp
Classification: Uncertain significance for Alstrom syndrome. Last evaluated: 2022-08-13. Review status: criteria provided, single submitter. Criteria: Invitae Variant Classification Sherloc (09022015). Collection method: clinical testing. Allele origin: germline.
Comment: This variant, c.12408_12410del, results in the deletion of 1 amino acid(s) of the ALMS1 protein (p.Glu4137del), but otherwise preserves the integrity of the reading frame. This variant is present in population databases (rs764575993, gnomAD 0.006%). This variant has not been reported in the literature in individuals affected with ALMS1-related conditions. ClinVar contains an entry for this variant (Variation ID: 1056562). Experimental studies and prediction algorithms are not available or were not evaluated, and the functional significance of this variant is currently unknown. In summary, the available evidence is currently insufficient to determine the role of this variant in disease. Therefore, it has been classified as a Variant of Uncertain Significance.

Natera, Inc.
Classification: Uncertain significance for Alstrom syndrome. Last evaluated: 2020-12-31. Review status: no assertion criteria provided. Collection method: clinical testing. Allele origin: germline. Not counted in ClinVar's aggregate classification.

NM_001378454.1(ALMS1):c.12399AGA[2] (p.Glu4136del)

Gene: ALMS1 (ALMS1 centrosome and basal body associated protein; plus strand). Cytogenetic location: 2p13.1.
Variant type: Microsatellite.
Coding change: c.12399AGA[2] on transcript NM_001378454.1 (MANE Select); two copies in a row of the 3-base unit AGA starting at c.12399; the reference has three copies in a row; one copy, 3 bases deleted.
Protein change: p.Glu4136del; deletes glutamic acid 4136.
Molecular consequence: inframe deletion.
Genome position (GRCh38, 1-based): chr2:73,608,517-73,608,519, AGA deleted; deleting any 3 consecutive bases within chr2:73,608,511-73,608,519 gives the same sequence; the position shown is the placement nearest the transcript's 3' end. VCF-style (leftmost placement, unchanged base first): chr2-73608510-GAGA-G. GRCh37 (hg19) VCF-style: chr2-73835637-GAGA-G.
Other names: c.12402AGA[2], p.Glu4137del (NM_015120.4); c.12402_12404delAGA (NM_015120.4); c.12408_12410delAGA (NM_015120.4); c.12408_12410del (NM_015120.4); short protein forms E4136del, E4137del.
Identifiers: ClinVar variation 1056562 (VCV001056562.15), dbSNP rs764575993, ClinGen allele CA1715570.